The following is an entry in ClinVar:

NM_006245.4(PPP2R5D):c.926A>G (p.Asn309Ser)

Gene: PPP2R5D (protein phosphatase 2 regulatory subunit B'delta; plus strand). Cytogenetic location: 6p21.1.
Variant type: single nucleotide variant.
Coding change: c.926A>G on transcript NM_006245.4 (MANE Select); coding-DNA position 926, A replaced by G.
Protein change: p.Asn309Ser; replaces asparagine 309 with serine.
Molecular consequence: missense variant.
Genome position (GRCh38, 1-based): chr6:43,008,375, A>G. VCF-style: chr6-43008375-A-G. GRCh37 (hg19) VCF-style: chr6-42976113-A-G.
Other names: c.473A>G, p.Asn158Ser (NM_001270476.2); c.830A>G, p.Asn277Ser (NM_180976.3); c.608A>G, p.Asn203Ser (NM_180977.3); short protein forms N309S, N203S, N277S, N158S.
Identifiers: ClinVar variation 1461640 (VCV001461640.8), dbSNP rs1165406603, ClinGen allele CA364191456.

ClinVar aggregate classification (germline): Uncertain significance (1 of 4 stars; one submission).

Allele frequency attached by ClinVar (database versions not stated): gnomAD exomes below 0.00001; TOPMed below 0.00001; gnomAD 0.00001.
gnomAD v4.1: 8 of 1,613,888 alleles (0.0005%); highest among the groups gnomAD compares: South Asian, 0.0022%; no homozygotes.

Submission:

Labcorp Genetics (formerly Invitae), Labcorp
Classification: Uncertain significance. Last evaluated: 2022-07-12. Review status: criteria provided, single submitter. Criteria: Invitae Variant Classification Sherloc (09022015). Collection method: clinical testing. Allele origin: germline.
Comment: In summary, the available evidence is currently insufficient to determine the role of this variant in disease. Therefore, it has been classified as a Variant of Uncertain Significance. Algorithms developed to predict the effect of sequence changes on RNA splicing suggest that this variant may create or strengthen a splice site. Algorithms developed to predict the effect of missense changes on protein structure and function are either unavailable or do not agree on the potential impact of this missense change (SIFT: "Deleterious"; PolyPhen-2: "Benign"; Align-GVGD: "Class C45"). ClinVar contains an entry for this variant (Variation ID: 1461640). This variant has not been reported in the literature in individuals affected with PPP2R5D-related conditions. This variant is not present in population databases (gnomAD no frequency). This sequence change replaces asparagine, which is neutral and polar, with serine, which is neutral and polar, at codon 309 of the PPP2R5D protein (p.Asn309Ser).